The following is an entry in ClinVar:

NM_000213.5(ITGB4):c.2833_2837del (p.Arg945fs)

Gene: ITGB4 (integrin subunit beta 4; plus strand). Cytogenetic location: 17q25.1.
Variant type: Deletion.
Coding change: c.2833_2837del on transcript NM_000213.5 (MANE Select); coding-DNA positions 2833 to 2837, 5 bases deleted (CGGGT; older notation c.2833_2837delCGGGT).
Protein change: p.Arg945fs; shifts the reading frame from arginine 945.
Molecular consequence: frameshift variant.
Genome position (GRCh38, 1-based): chr17:75,742,632-75,742,636, CGGGT deleted. VCF-style (leftmost placement, unchanged base first): chr17-75742631-ACGGGT-A. GRCh37 (hg19) VCF-style: chr17-73738712-ACGGGT-A.
Other names: c.2833_2837delCGGGT, p.Arg945Alafs (NM_001005619.2); c.2833_2837del, p.Arg945fs (NM_001005731.3, NM_001321123.2); short protein forms R945fs.
Identifiers: ClinVar variation 2740353 (VCV002740353.3), dbSNP rs2545802225, ClinGen allele CA2697555160.

ClinVar aggregate classification (germline): Pathogenic (1 of 4 stars; one submission).

Submission:

Labcorp Genetics (formerly Invitae), Labcorp
Classification: Pathogenic. Last evaluated: 2023-07-10. Review status: criteria provided, single submitter. Criteria: Invitae Variant Classification Sherloc (09022015). Collection method: clinical testing. Allele origin: germline.
Comment: This variant is not present in population databases (gnomAD no frequency). For these reasons, this variant has been classified as Pathogenic. This variant has not been reported in the literature in individuals affected with ITGB4-related conditions. This sequence change creates a premature translational stop signal (p.Arg945Alafs*7) in the ITGB4 gene. It is expected to result in an absent or disrupted protein product. Loss-of-function variants in ITGB4 are known to be pathogenic (PMID: 11328943, 16473856).

Literature cited by the submitters: PubMed 11328943; PubMed 16473856.